The following is an entry in ClinVar:

NM_018076.5(ODAD2):c.2096A>G (p.Gln699Arg)

Gene: ODAD2 (outer dynein arm docking complex subunit 2; minus strand). Cytogenetic location: 10p12.1.
Variant type: single nucleotide variant.
Coding change: c.2096A>G on transcript NM_018076.5 (MANE Select); coding-DNA position 2096, A replaced by G.
Protein change: p.Gln699Arg; replaces glutamine 699 with arginine.
Molecular consequence: missense variant.
Genome position (GRCh38, 1-based): chr10:27,939,898, T>C on the plus strand (A>G on the coding strand, the complement: ODAD2 is on the minus strand). VCF-style: chr10-27939898-T-C. GRCh37 (hg19) VCF-style: chr10-28228827-T-C.
Other names: c.2096A>G, p.Gln699Arg (NM_001290020.2); c.671A>G, p.Gln224Arg (NM_001290021.2); c.1172A>G, p.Gln391Arg (NM_001312689.2); short protein forms Q224R, Q391R, Q699R.
Identifiers: ClinVar variation 3368961 (VCV003368961.1).

ClinVar aggregate classification (germline): Uncertain significance (1 of 4 stars; one submission).

Submission:

GeneDx
Classification: Uncertain significance. Last evaluated: 2024-02-12. Review status: criteria provided, single submitter. Criteria: GeneDx Variant Classification Process June 2021. Collection method: clinical testing. Allele origin: germline. Affected: yes.
Comment: Not observed at significant frequency in large population cohorts (gnomAD); In silico analysis supports a deleterious effect on splicing; In silico analysis supports that this missense variant does not alter protein structure/function; Has not been previously published as pathogenic or benign to our knowledge